The following is an entry in ClinVar:

NM_000152.5(GAA):c.2800-1G>C

Gene: GAA (alpha glucosidase; plus strand). Cytogenetic location: 17q25.3.
Variant type: single nucleotide variant.
Coding change: c.2800-1G>C on transcript NM_000152.5 (MANE Select); the canonical splice acceptor site of the intron before coding-DNA position 2800, G replaced by C.
Molecular consequence: splice acceptor variant.
Genome position (GRCh38, 1-based): chr17:80,119,271, G>C. VCF-style: chr17-80119271-G-C. GRCh37 (hg19) VCF-style: chr17-78093070-G-C.
Other names: c.2800-1G>C (NM_001079803.3, NM_001079804.3, NM_001406741.1 and 1 more transcripts).
Identifiers: ClinVar variation 4876396 (VCV004876396.1).

ClinVar aggregate classification (germline): Uncertain significance (1 of 4 stars; one submission).

Conditions:
Glycogen storage disease, type II (IOPD). Also called: Pompe Disease; CARDIOMEGALIA GLYCOGENICA DIFFUSA; GLYCOGENOSIS, GENERALIZED, CARDIAC FORM; GSD II; POMPE DISEASE, INFANTILE-ONSET; GLYCOGEN STORAGE DISEASE II, INFANTILE-ONSET. Identifiers: Orphanet 365, MedGen C0017921, MONDO:0009290, OMIM 232300.

gnomAD v4.1: 1 of 1,614,008 alleles (0.000062%); highest among the groups gnomAD compares: Non-Finnish European, 0.000085%; no homozygotes.

Submission:

Genomenon, Inc
Classification: Uncertain significance for Glycogen storage disease, type II. Last evaluated: 2026-07-01. Review status: criteria provided, single submitter. Criteria: Genomenon Sequence Variant Interpretation Standards - Updated. Collection method: curation. Allele origin: germline. Affected: yes.
Comment: GAA c.2800-1G>C is a canonical splice variant affecting the acceptor splice site of intron 19. It is predicted to affect mRNA splicing, leading to a deleterious effect on the GAA protein. This variant has been observed in at least one proband with a GAA-related disorder (PMID:29422078). It is absent or not present at a significant frequency in gnomAD. In conclusion, we classify GAA c.2800-1G>C as a variant of uncertain significance.

Literature cited by the submitters: PubMed 29422078.